The following is an entry in ClinVar:

NM_014425.5(INVS):c.349C>T (p.Pro117Ser)

Gene: INVS (inversin; plus strand). Cytogenetic location: 9q31.1.
Variant type: single nucleotide variant.
Coding change: c.349C>T on transcript NM_014425.5 (MANE Select); coding-DNA position 349, C replaced by T.
Protein change: p.Pro117Ser; replaces proline 117 with serine.
Molecular consequence: missense variant. On other transcripts: 5 prime UTR variant (1), non-coding transcript variant (1).
Genome position (GRCh38, 1-based): chr9:100,226,137, C>T. VCF-style: chr9-100226137-C-T. GRCh37 (hg19) VCF-style: chr9-102988419-C-T.
Other names: c.61C>T, p.Pro21Ser (NM_001318381.2); c.-641C>T (NM_001318382.2); short protein forms P21S, P117S.
Identifiers: ClinVar variation 1405416 (VCV001405416.3), dbSNP rs1021818693, ClinGen allele CA197184966.

ClinVar aggregate classification (germline): Uncertain significance (1 of 4 stars; one submission).

Conditions:
Nephronophthisis. Also called: Juvenile Nephronophthisis. Identifiers: Orphanet 655, MedGen C0687120, MONDO:0019005, HP:0000090.

gnomAD v4.1: 2 of 1,613,828 alleles (0.00012%); highest among the groups gnomAD compares: African/African-American, 0.0013%; no homozygotes.

Submission:

Labcorp Genetics (formerly Invitae), Labcorp
Classification: Uncertain significance for Nephronophthisis. Last evaluated: 2021-12-06. Review status: criteria provided, single submitter. Criteria: Invitae Variant Classification Sherloc (09022015). Collection method: clinical testing. Allele origin: germline.
Comment: This sequence change replaces proline, which is neutral and non-polar, with serine, which is neutral and polar, at codon 117 of the INVS protein (p.Pro117Ser). This variant is not present in population databases (gnomAD no frequency). This variant has not been reported in the literature in individuals affected with INVS-related conditions. Algorithms developed to predict the effect of missense changes on protein structure and function (SIFT, PolyPhen-2, Align-GVGD) all suggest that this variant is likely to be disruptive. In summary, the available evidence is currently insufficient to determine the role of this variant in disease. Therefore, it has been classified as a Variant of Uncertain Significance.